The following is an entry in ClinVar:

ClinVar aggregate classification (germline): Uncertain significance. Review status: criteria provided, multiple submitters, no conflicts (2 of 4 stars). 2 submissions from 2 submitters: Uncertain significance (2). Last evaluated 2022-09-20.

Conditions:
Inborn genetic diseases. Identifiers: MedGen C0950123, MeSH D030342.

Allele frequency attached by ClinVar (database versions not stated): ExAC 0.00001; ESP Exome Variant Server 0.00008.
gnomAD v4.1: 8 of 1,612,976 alleles (0.0005%); highest among the groups gnomAD compares: African/African-American, 0.0013%; no homozygotes.

Submissions (2):

GeneDx
Classification: Uncertain significance. Last evaluated: 2022-09-20. Review status: criteria provided, single submitter. Criteria: GeneDx Variant Classification Process June 2021. Collection method: clinical testing. Allele origin: germline. Affected: yes.
Comment: Not observed at significant frequency in large population cohorts (gnomAD); In silico analysis supports that this missense variant has a deleterious effect on protein structure/function; Has not been previously published as pathogenic or benign to our knowledge

Ambry Genetics
Classification: Uncertain significance for Inborn genetic diseases. Last evaluated: 2021-08-10. Review status: criteria provided, single submitter. Criteria: Ambry Variant Classification Scheme 2023. Collection method: clinical testing. Allele origin: germline.

NM_031443.4(CCM2):c.1268G>C (p.Arg423Pro)

Gene: CCM2 (CCM2 scaffold protein; plus strand). Cytogenetic location: 7p13.
Variant type: single nucleotide variant.
Coding change: c.1268G>C on transcript NM_031443.4 (MANE Select); coding-DNA position 1268, G replaced by C.
Protein change: p.Arg423Pro; replaces arginine 423 with proline.
Molecular consequence: missense variant. On other transcripts: non-coding transcript variant (1).
Genome position (GRCh38, 1-based): chr7:45,075,990, G>C. VCF-style: chr7-45075990-G-C. GRCh37 (hg19) VCF-style: chr7-45115589-G-C.
Other names: c.1331G>C, p.Arg444Pro (NM_001029835.2); c.1094G>C, p.Arg365Pro (NM_001167934.2); c.995G>C, p.Arg332Pro (NM_001167935.2); c.1391G>C, p.Arg464Pro (NM_001363458.2); c.1217G>C, p.Arg406Pro (NM_001363459.2); short protein forms R332P, R406P, R423P, R365P, R444P, R464P.
Identifiers: ClinVar variation 2242822 (VCV002242822.3), dbSNP rs371640199, ClinGen allele CA4247301.
Genomic context (GRCh38, chr7:45,075,990, plus strand): 5'-ACAGGGCCACGGGCAGCTCTGATGACCGGTCGGCACCCTCAGAGGGGGATGAGTGGGACC[G>C]CATGATCTCGGACATCAGCAGCGACATTGAGGCGCTGGGCTGCAGCATGGACCAGGACTC-3'
Protein context (NP_113631.1, residues 413-433): SAPSEGDEWD[Arg423Pro]MISDISSDIE